The following is an entry in ClinVar:

NM_133497.4(KCNV2):c.524G>T (p.Gly175Val)

Gene: KCNV2 (potassium voltage-gated channel modifier subfamily V member 2; plus strand). Cytogenetic location: 9p24.2.
Variant type: single nucleotide variant.
Coding change: c.524G>T on transcript NM_133497.4 (MANE Select); coding-DNA position 524, G replaced by T.
Protein change: p.Gly175Val; replaces glycine 175 with valine.
Molecular consequence: missense variant.
Genome position (GRCh38, 1-based): chr9:2,718,263, G>T. VCF-style: chr9-2718263-G-T. GRCh37 (hg19) VCF-style: chr9-2718263-G-T.
Other names: short protein forms G175V.
Identifiers: ClinVar variation 1998714 (VCV001998714.4), dbSNP rs1199956233, ClinGen allele CA372798284.

ClinVar aggregate classification (germline): Uncertain significance (1 of 4 stars; one submission).

Allele frequency attached by ClinVar (database versions not stated): TOPMed below 0.00001.
gnomAD v4.1: 1 of 1,612,724 alleles (0.000062%); highest among the groups gnomAD compares: Non-Finnish European, 0.000085%; no homozygotes.

Submission:

Labcorp Genetics (formerly Invitae), Labcorp
Classification: Uncertain significance. Last evaluated: 2022-10-13. Review status: criteria provided, single submitter. Criteria: Invitae Variant Classification Sherloc (09022015). Collection method: clinical testing. Allele origin: germline.
Comment: This variant has not been reported in the literature in individuals affected with KCNV2-related conditions. In summary, the available evidence is currently insufficient to determine the role of this variant in disease. Therefore, it has been classified as a Variant of Uncertain Significance. Advanced modeling of protein sequence and biophysical properties (such as structural, functional, and spatial information, amino acid conservation, physicochemical variation, residue mobility, and thermodynamic stability) performed at Invitae indicates that this missense variant is not expected to disrupt KCNV2 protein function. This variant is not present in population databases (gnomAD no frequency). This sequence change replaces glycine, which is neutral and non-polar, with valine, which is neutral and non-polar, at codon 175 of the KCNV2 protein (p.Gly175Val).